The following is an entry in ClinVar:

ClinVar aggregate classification (germline): Likely benign (1 of 4 stars; one submission).

Conditions:
Juvenile polyposis/hereditary hemorrhagic telangiectasia syndrome (JPHT). Also called: JP/HHT SYNDROME; JUVENILE POLYPOSIS WITH HEREDITARY HEMORRHAGIC TELANGIECTASIA; POLYPOSIS, GENERALIZED JUVENILE, WITH PULMONARY ARTERIOVENOUS MALFORMATION; TELANGIECTASIA, HEREDITARY HEMORRHAGIC, WITH JUVENILE POLYPOSIS COLI; Juvenile Polyposis Syndrome / Hereditary Hemorrhagic Telangiectasia (JPS/HHT). Identifiers: Orphanet 2929, MedGen C1832942, MONDO:0008278, OMIM 175050.

Submission:

Myriad Genetics, Inc.
Classification: Likely benign for Juvenile polyposis/hereditary hemorrhagic telangiectasia syndrome. Last evaluated: 2025-03-19. Review status: criteria provided, single submitter. Criteria: Myriad Autosomal Dominant, Autosomal Recessive and X-Linked Classification Criteria (2023). Collection method: clinical testing. Allele origin: unknown.
Comment: This variant is considered likely benign. This variant is intronic and is not expected to impact mRNA splicing.

NM_005359.6(SMAD4):c.667+10A>C

Gene: SMAD4 (SMAD family member 4; plus strand). Cytogenetic location: 18q21.2.
Variant type: single nucleotide variant.
Coding change: c.667+10A>C on transcript NM_005359.6 (MANE Select); 10 bases into the intron after coding-DNA position 667, A replaced by C.
Molecular consequence: intron variant.
Genome position (GRCh38, 1-based): chr18:51,055,003, A>C. VCF-style: chr18-51055003-A-C. GRCh37 (hg19) VCF-style: chr18-48581373-A-C.
Other names: c.667+10A>C (NM_001407042.1, NM_001407041.1, NM_001407043.1).
Identifiers: ClinVar variation 3904346 (VCV003904346.1).